The following is an entry in ClinVar:

ClinVar aggregate classification (germline): Pathogenic. Review status: criteria provided, multiple submitters, no conflicts (2 of 4 stars). 2 submissions from 2 submitters: Pathogenic (2). Last evaluated 2025-06-03.

Conditions:
Hereditary breast ovarian cancer syndrome. Also called: Breast and ovarian cancer; Hereditary breast and ovarian cancer; Hereditary breast and/or ovarian cancer syndrome; BRCA1- and BRCA2-Associated Hereditary Breast and Ovarian Cancer; Hereditary breast and ovarian cancer syndrome; Hereditary breast and ovarian cancer syndrome (HBOC). Identifiers: Orphanet 145, MedGen C0677776, MeSH D061325, MONDO:0003582. Disease mechanism: loss of function.
Hereditary cancer-predisposing syndrome. Also called: Tumor predisposition; Hereditary neoplastic syndrome; Neoplastic Syndromes, Hereditary; Hereditary Cancer Syndrome. Identifiers: Orphanet 140162, MedGen C0027672, MeSH D009386, MONDO:0015356.

Submissions (2):

Ambry Genetics
Classification: Pathogenic for Hereditary cancer-predisposing syndrome. Last evaluated: 2025-06-03. Review status: criteria provided, single submitter. Criteria: Ambry Variant Classification Scheme 2023. Collection method: clinical testing. Allele origin: germline.
Comment: The c.806delC pathogenic mutation, located in coding exon 9 of the BRCA2 gene, results from a deletion of one nucleotide at nucleotide position 806, causing a translational frameshift with a predicted alternate stop codon (p.T269Nfs*8). This variant is considered to be rare based on population cohorts in the Genome Aggregation Database (gnomAD). This alteration is expected to result in loss of function by premature protein truncation or nonsense-mediated mRNA decay. As such, this alteration is interpreted as a disease-causing mutation.

Labcorp Genetics (formerly Invitae), Labcorp
Classification: Pathogenic for Hereditary breast ovarian cancer syndrome. Last evaluated: 2019-02-09. Review status: criteria provided, single submitter. Criteria: Invitae Variant Classification Sherloc (09022015). Collection method: clinical testing. Allele origin: germline.
Comment: This sequence change creates a premature translational stop signal (p.Thr269Asnfs*8) in the BRCA2 gene. It is expected to result in an absent or disrupted protein product. This variant is not present in population databases (ExAC no frequency). For these reasons, this variant has been classified as Pathogenic. Loss-of-function variants in BRCA2 are known to be pathogenic (PMID: 20104584). This variant has not been reported in the literature in individuals with BRCA2-related conditions.

Literature cited by the submitters: PubMed 20104584 (cited by Labcorp Genetics (formerly Invitae), Labcorp).

NM_000059.4(BRCA2):c.806del (p.Thr269fs)

Gene: BRCA2 (BRCA2 DNA repair associated; plus strand). Cytogenetic location: 13q13.1.
Variant type: Deletion.
Coding change: c.806del on transcript NM_000059.4 (MANE Select); coding-DNA position 806, one base deleted (C; older notation c.806delC).
Protein change: p.Thr269fs; shifts the reading frame from threonine 269.
Molecular consequence: frameshift variant.
Genome position (GRCh38, 1-based): chr13:32,332,284, C deleted. VCF-style (leftmost placement, unchanged base first): chr13-32332283-AC-A. GRCh37 (hg19) VCF-style: chr13-32906420-AC-A.
Other names: c.806delC (NM_000059.3); short protein forms T269fs.
Identifiers: ClinVar variation 847216 (VCV000847216.9), dbSNP rs2072397533, ClinGen allele CA916080544.
Genomic context (GRCh38, chr13:32,332,283, plus strand): 5'-TTATATGGCTTATAAAATATTAATGTGCTTCTGTTTTATACTTTAACAGGATTTGGAAAA[AC>A]ATCAGGGAATTCATTTAAAGTAAATAGCTGCAAAGACCACATTGGAAAGTCAATGCCAAA-3'